The following is an entry in ClinVar:

ClinVar aggregate classification (germline): Uncertain significance (1 of 4 stars; one submission).

Allele frequency attached by ClinVar (database versions not stated): TOPMed below 0.00001 and 0.00001.
gnomAD v4.1: 6 of 1,600,316 alleles (0.00037%); highest among the groups gnomAD compares: Non-Finnish European, 0.00051%; no homozygotes.

Submission:

Laboratory for Molecular Medicine, Mass General Brigham Personalized Medicine
Classification: Uncertain significance. Last evaluated: 2013-04-05. Review status: criteria provided, single submitter. Criteria: LMM Criteria. Collection method: clinical testing. Allele origin: germline. Observed: 1 variant allele.
Comment: The Val27281Phe variant in TTN has not been reported in the literature nor previ ously identified by our laboratory. This variant has also not been identified in large European American and African American populations by the NHLBI Exome Seq uencing Project, though it may be present in other populations. Computational analyses (biochemical amino acid properties, co nservation, AlignGVGD, PolyPhen2, and SIFT) do not provide strong support for or against an impact to the protein. At this time, additional information is neede d to fully assess the clinical significance of this variant.

NM_001267550.2(TTN):c.89545G>T (p.Val29849Phe)

Genes: TTN (titin; minus strand), TTN-AS1 (TTN antisense RNA 1; plus strand). Cytogenetic location: 2q31.2.
Variant type: single nucleotide variant.
Coding change: c.89545G>T on transcript NM_001267550.2 (MANE Select); coding-DNA position 89545, G replaced by T.
Protein change: p.Val29849Phe; replaces valine 29849 with phenylalanine.
Molecular consequence: missense variant.
Genome position (GRCh38, 1-based): chr2:178,553,355, C>A on the plus strand (G>T on the coding strand, the complement: TTN is on the minus strand). VCF-style: chr2-178553355-C-A. GRCh37 (hg19) VCF-style: chr2-179418082-C-A.
Other names: c.81841G>T, p.Val27281Phe (NM_133378.4); c.84622G>T, p.Val28208Phe (NM_001256850.1); c.62350G>T, p.Val20784Phe (NM_003319.4); c.62725G>T, p.Val20909Phe (NM_133432.3); c.62926G>T, p.Val20976Phe (NM_133437.4); short protein forms V27281F, V29849F, V20909F, V20784F, V20976F, V28208F.
Identifiers: ClinVar variation 178856 (VCV000178856.5), dbSNP rs727504493, ClinGen allele CA183166.